The following is an entry in ClinVar:

NM_001457.4(FLNB):c.1044C>T (p.Asp348=)

Gene: FLNB (filamin B; plus strand). Cytogenetic location: 3p14.3.
Variant type: single nucleotide variant.
Coding change: c.1044C>T on transcript NM_001457.4 (MANE Select); coding-DNA position 1044, C replaced by T.
Protein change: p.Asp348=; no amino-acid change (aspartic acid 348 retained).
Molecular consequence: synonymous variant.
Genome position (GRCh38, 1-based): chr3:58,097,874, C>T. VCF-style: chr3-58097874-C-T. GRCh37 (hg19) VCF-style: chr3-58083601-C-T.
Other names: c.1044C>T, p.Asp348= (NM_001164317.2, NM_001164318.2, NM_001164319.2).
Identifiers: ClinVar variation 497262 (VCV000497262.26), dbSNP rs111996979, ClinGen allele CA2467692.

ClinVar aggregate classification (germline): Benign/Likely benign. Review status: criteria provided, multiple submitters, no conflicts (2 of 4 stars). 6 submissions from 6 submitters: Benign (3); Likely benign (3). Last evaluated 2026-01-21.

Conditions:
FLNB-Related Spectrum Disorders.

Allele frequency attached by ClinVar (database versions not stated): gnomAD exomes 0.00067; ExAC 0.00075; 1000 Genomes Project 30x 0.00203; gnomAD 0.00234 and 0.00252; 1000 Genomes Project 0.00240; TOPMed 0.00246; ESP Exome Variant Server 0.00369.

Submissions (6):

Labcorp Genetics (formerly Invitae), Labcorp
Classification: Benign. Last evaluated: 2026-01-21. Review status: criteria provided, single submitter. Criteria: Invitae Variant Classification Sherloc (09022015). Collection method: clinical testing. Allele origin: germline.

ARUP Laboratories, Molecular Genetics and Genomics, ARUP Laboratories
Classification: Benign. Last evaluated: 2025-02-25. Review status: criteria provided, single submitter. Criteria: ARUP Molecular Germline Variant Investigation Process 2024. Collection method: clinical testing. Allele origin: germline.

Blueprint Genetics
Classification: Likely benign. Last evaluated: 2024-11-12. Review status: criteria provided, single submitter. Criteria: ACMG Guidelines, 2015. Collection method: clinical testing. Allele origin: germline.

Illumina Laboratory Services, Illumina
Classification: Likely benign for FLNB-Related Spectrum Disorders. Last evaluated: 2018-01-13. Review status: criteria provided, single submitter. Criteria: ICSL Variant Classification Criteria 13 December 2019. Collection method: clinical testing. Allele origin: germline.
Comment: This variant was observed in the ICSL laboratory as part of a predisposition screen in an ostensibly healthy population. It had not been previously curated by ICSL or reported in the Human Gene Mutation Database (HGMD: prior to June 1st, 2018), and was therefore a candidate for classification through an automated scoring system. Utilizing variant allele frequency, disease prevalence and penetrance estimates, and inheritance mode, an automated score was calculated to assess if this variant is too frequent to cause the disease. Based on the score and internal cut-off values, a variant classified as likely benign is not then subjected to further curation. The score for this variant resulted in a classification of likely benign for this disease.

Eurofins Ntd Llc (ga)
Classification: Benign. Last evaluated: 2016-09-29. Review status: criteria provided, single submitter. Criteria: EGL Classification Definitions 2015. Collection method: clinical testing. Allele origin: germline. Observed: 1 variant allele, 1 heterozygote.

Breakthrough Genomics
Classification: Likely benign. Review status: criteria provided, single submitter. Criteria: ACMG Guidelines, 2015. Collection method: not provided. Allele origin: germline. Inheritance: Autosomal recessive inheritance. Affected: yes.